The following is an entry in ClinVar:

ClinVar aggregate classification (germline): Benign. Review status: criteria provided, multiple submitters, no conflicts (2 of 4 stars). 3 submissions from 3 submitters: Benign (2). 1 of the submissions does not count toward it. Last evaluated 2024-08-19.

Conditions:
Pseudohypoaldosteronism type 2D (PHA2D). Also called: FAMILIAL HYPERKALEMIC HYPERTENSION; PSEUDOHYPOALDOSTERONISM, TYPE IID, AUTOSOMAL DOMINANT OR RECESSIVE; Pseudohypoaldosteronism Type IID. Identifiers: Orphanet 300525, Orphanet 757, MedGen C3469605, MONDO:0013781, OMIM 614495.
KLHL3-related disorder. Also called: KLHL3-related condition.

Allele frequency attached by ClinVar (database versions not stated): gnomAD 0.00004 and 0.00011; TOPMed 0.00004; gnomAD exomes 0.00016 and 0.00037; ExAC 0.00035; 1000 Genomes Project 30x 0.00062; 1000 Genomes Project 0.00080.
gnomAD v4.1: 249 of 1,614,022 alleles (0.015%); highest among the groups gnomAD compares: South Asian, 0.24%; 4 homozygotes.

Submissions (3):

Labcorp Genetics (formerly Invitae), Labcorp
Classification: Benign. Last evaluated: 2024-08-19. Review status: criteria provided, single submitter. Criteria: Invitae Variant Classification Sherloc (09022015). Collection method: clinical testing. Allele origin: germline.

Illumina Laboratory Services, Illumina
Classification: Benign for Pseudohypoaldosteronism type 2D. Last evaluated: 2018-03-06. Review status: criteria provided, single submitter. Criteria: ICSL Variant Classification Criteria 13 December 2019. Collection method: clinical testing. Allele origin: germline.
Comment: This variant was observed in the ICSL laboratory as part of a predisposition screen in an ostensibly healthy population. It had not been previously curated by ICSL or reported in the Human Gene Mutation Database (HGMD: prior to June 1st, 2018), and was therefore a candidate for classification through an automated scoring system. Utilizing variant allele frequency, disease prevalence and penetrance estimates, and inheritance mode, an automated score was calculated to assess if this variant is too frequent to cause the disease. Based on the score and internal cut-off values, a variant classified as benign is not then subjected to further curation. The score for this variant resulted in a classification of benign for this disease.

PreventionGenetics, part of Exact Sciences
Classification: Likely benign for KLHL3-related condition. Last evaluated: 2019-05-07. Review status: no assertion criteria provided. Collection method: clinical testing. Allele origin: germline. Not counted in ClinVar's aggregate classification.
Comment: This variant is classified as likely benign based on ACMG/AMP sequence variant interpretation guidelines (Richards et al. 2015 PMID: 25741868, with internal and published modifications).

NM_017415.3(KLHL3):c.153C>T (p.Asp51=)

Gene: KLHL3 (kelch like family member 3; minus strand). Cytogenetic location: 5q31.2.
Variant type: single nucleotide variant.
Coding change: c.153C>T on transcript NM_017415.3 (MANE Select); coding-DNA position 153, C replaced by T.
Protein change: p.Asp51=; no amino-acid change (aspartic acid 51 retained).
Molecular consequence: synonymous variant.
Genome position (GRCh38, 1-based): chr5:137,709,838, G>A on the plus strand (C>T on the coding strand, the complement: KLHL3 is on the minus strand). VCF-style: chr5-137709838-G-A. GRCh37 (hg19) VCF-style: chr5-137045527-G-A.
Other names: c.57C>T, p.Asp19= (NM_001257194.1).
Identifiers: ClinVar variation 906116 (VCV000906116.8), dbSNP rs573882707, ClinGen allele CA3422555.
Genomic context (GRCh38, chr5:137,709,838, plus strand): 5'-GCAGGCTGCCAGGACCACACGGTGGGCTTCTATCTCGACATCTTCTGCCACAATCATCAC[G>A]TCACACAACAGCTGTTTACTGTAAGACACCAGTGAGAGGACAGGATGGGTTGCAGCAAGG-3'
Protein context (NP_059111.2, residues 41-61): NELRSKQLLC[Asp51=]VMIVAEDVEI